The following is an entry in ClinVar:

ClinVar aggregate classification (germline): Likely pathogenic. Review status: criteria provided, multiple submitters, no conflicts (2 of 4 stars). 2 submissions from 2 submitters: Likely pathogenic (2). Last evaluated 2025-12-24.

Conditions:
Progressive sclerosing poliodystrophy (MTDPS4A). Also called: NEURONAL DEGENERATION OF CHILDHOOD WITH LIVER DISEASE, PROGRESSIVE; Alpers-Huttenlocher Syndrome (AHS); ALPERS PROGRESSIVE INFANTILE POLIODYSTROPHY; Mitochondrial DNA Depletion Syndrome 4A; Alpers Syndrome; ALPERS DIFFUSE DEGENERATION OF CEREBRAL GRAY MATTER WITH HEPATIC CIRRHOSIS. Identifiers: Orphanet 726, MedGen C0205710, MONDO:0008758, OMIM 203700.

Submissions (2):

Labcorp Genetics (formerly Invitae), Labcorp
Classification: Likely pathogenic for Progressive sclerosing poliodystrophy. Last evaluated: 2025-12-24. Review status: criteria provided, single submitter. Criteria: Invitae Variant Classification Sherloc (09022015). Collection method: clinical testing. Allele origin: germline.
Comment: This sequence change replaces alanine, which is neutral and non-polar, with valine, which is neutral and non-polar, at codon 862 of the POLG protein (p.Ala862Val). This variant is not present in population databases (gnomAD no frequency). This missense change has been observed in individual(s) with clinical features of autosomal recessive POLG-related conditions (internal data). ClinVar contains an entry for this variant (Variation ID: 1058069). Invitae Evidence Modeling of protein sequence and biophysical properties (such as structural, functional, and spatial information, amino acid conservation, physicochemical variation, residue mobility, and thermodynamic stability) indicates that this missense variant is expected to disrupt POLG protein function with a positive predictive value of 95%. This variant disrupts the p.Ala862 amino acid residue in POLG. Other variant(s) that disrupt this residue have been determined to be pathogenic (PMID: 18546365, 21550804, 22189570, 22357363). This suggests that this residue is clinically significant, and that variants that disrupt this residue are likely to be disease-causing. In summary, the currently available evidence indicates that the variant is pathogenic, but additional data are needed to prove that conclusively. Therefore, this variant has been classified as Likely Pathogenic.

GeneDx
Classification: Likely pathogenic. Last evaluated: 2025-03-04. Review status: criteria provided, single submitter. Criteria: GeneDx Variant Classification Process June 2021. Collection method: clinical testing. Allele origin: germline. Affected: yes.
Comment: Not observed at significant frequency in large population cohorts (gnomAD); In silico analysis supports that this missense variant has a deleterious effect on protein structure/function; Has not been previously published in an individual with POLG-related disease as pathogenic or benign to our knowledge; This variant is associated with the following publications: (PMID: 30029678)

Literature cited by the submitters: PubMed 18546365 (cited by Labcorp Genetics (formerly Invitae), Labcorp); PubMed 21550804 (cited by Labcorp Genetics (formerly Invitae), Labcorp); PubMed 22189570 (cited by Labcorp Genetics (formerly Invitae), Labcorp); PubMed 22357363 (cited by Labcorp Genetics (formerly Invitae), Labcorp).

NM_002693.3(POLG):c.2585C>T (p.Ala862Val)

Gene: POLG (DNA polymerase gamma, catalytic subunit; minus strand). Cytogenetic location: 15q26.1.
Variant type: single nucleotide variant.
Coding change: c.2585C>T on transcript NM_002693.3 (MANE Select); coding-DNA position 2585, C replaced by T.
Protein change: p.Ala862Val; replaces alanine 862 with valine.
Molecular consequence: missense variant.
Genome position (GRCh38, 1-based): chr15:89,321,749, G>A on the plus strand (C>T on the coding strand, the complement: POLG is on the minus strand). VCF-style: chr15-89321749-G-A. GRCh37 (hg19) VCF-style: chr15-89864980-G-A.
Other names: c.2585C>T (NM_002693.2); c.2585C>T, p.Ala862Val (NM_001126131.2); short protein forms A862V.
Identifiers: ClinVar variation 1058069 (VCV001058069.10), dbSNP rs2152061668, ClinGen allele CA393754204.